The following is an entry in ClinVar:

NM_004082.5(DCTN1):c.1573G>A (p.Ala525Thr)

Gene: DCTN1 (dynactin subunit 1; minus strand). Cytogenetic location: 2p13.1.
Variant type: single nucleotide variant.
Coding change: c.1573G>A on transcript NM_004082.5 (MANE Select); coding-DNA position 1573, G replaced by A.
Protein change: p.Ala525Thr; replaces alanine 525 with threonine.
Molecular consequence: missense variant. On other transcripts: non-coding transcript variant (1).
Genome position (GRCh38, 1-based): chr2:74,369,311, C>T on the plus strand (G>A on the coding strand, the complement: DCTN1 is on the minus strand). VCF-style: chr2-74369311-C-T. GRCh37 (hg19) VCF-style: chr2-74596438-C-T.
Other names: c.1513G>A, p.Ala505Thr (NM_001135040.3); c.1171G>A, p.Ala391Thr (NM_001135041.3, NM_023019.4); c.1462G>A, p.Ala488Thr (NM_001190836.2); c.1552G>A, p.Ala518Thr (NM_001190837.2); c.1522G>A, p.Ala508Thr (NM_001378991.1); c.1504G>A, p.Ala502Thr (NM_001378992.1); short protein forms A505T, A525T, A488T, A391T, A518T, A502T, A508T.
Identifiers: ClinVar variation 845556 (VCV000845556.11), dbSNP rs376564889, ClinGen allele CA1722117.

ClinVar aggregate classification (germline): Conflicting classifications of pathogenicity. Review status: criteria provided, conflicting classifications (1 of 4 stars). 2 submissions from 2 submitters: Uncertain significance (1); Likely benign (1). Last evaluated 2025-11-17.

Conditions:
DCTN1-related disorder. Also called: DCTN1-related condition.
Perry syndrome. Also called: PARKINSONISM WITH ALVEOLAR HYPOVENTILATION AND MENTAL DEPRESSION. Identifiers: Orphanet 178509, MedGen C1868594, MONDO:0008201, OMIM 168605.
Neuronopathy, distal hereditary motor, type 7B. Also called: HMN VIIB; LOWER MOTOR NEURON DISEASE, DYNACTIN TYPE; Distal Hereditary Motor Neuronopathy Type 7B (dHMN7B); NEURONOPATHY, DISTAL HEREDITARY MOTOR, AUTOSOMAL DOMINANT 14; NEURONOPATHY, DISTAL HEREDITARY MOTOR, HARDING TYPE VIIB; NEUROPATHY, DISTAL HEREDITARY MOTOR, HARDING TYPE VIIB. Identifiers: Orphanet 139589, MedGen C1843315, MONDO:0011879, OMIM 607641.
Amyotrophic lateral sclerosis type 1 (ALS1). Also called: AMYOTROPHIC LATERAL SCLEROSIS 1, FAMILIAL. Identifiers: Orphanet 803, MedGen C1862939, MONDO:0007103, OMIM 105400.

Allele frequency attached by ClinVar (database versions not stated): gnomAD exomes 0.00003; ExAC 0.00005; ESP Exome Variant Server 0.00008; gnomAD 0.00013; TOPMed 0.00016.
gnomAD v4.1: 44 of 1,614,034 alleles (0.0027%); highest among the groups gnomAD compares: African/African-American, 0.039%; no homozygotes.

Submissions (2):

Labcorp Genetics (formerly Invitae), Labcorp
Classification: Likely benign for Amyotrophic lateral sclerosis type 1; Neuronopathy, distal hereditary motor, type 7B; Perry syndrome. Last evaluated: 2025-11-17. Review status: criteria provided, single submitter. Criteria: Invitae Variant Classification Sherloc (09022015). Collection method: clinical testing. Allele origin: germline.

PreventionGenetics, part of Exact Sciences
Classification: Uncertain significance for DCTN1-related condition. Last evaluated: 2025-09-16. Review status: criteria provided, single submitter. Criteria: ACMG Guidelines, 2015. Collection method: clinical testing. Allele origin: germline.
Comment: The DCTN1 c.1573G>A variant is predicted to result in the amino acid substitution p.Ala525Thr. To our knowledge, this variant has not been reported in the literature. This variant is reported in 0.048% of alleles in individuals of African descent in gnomAD, which may be too frequent to be a primary cause of an autosomal dominant disease. At this time, the clinical significance of this variant is uncertain due to the absence of conclusive functional and genetic evidence.